The following is an entry in ClinVar:

NM_138477.4(CDAN1):c.3043C>A (p.Arg1015Ser)

Gene: CDAN1 (codanin 1; minus strand). Cytogenetic location: 15q15.2.
Variant type: single nucleotide variant.
Coding change: c.3043C>A on transcript NM_138477.4 (MANE Select); coding-DNA position 3043, C replaced by A.
Protein change: p.Arg1015Ser; replaces arginine 1015 with serine.
Molecular consequence: missense variant.
Genome position (GRCh38, 1-based): chr15:42,727,674, G>T on the plus strand (C>A on the coding strand, the complement: CDAN1 is on the minus strand). VCF-style: chr15-42727674-G-T. GRCh37 (hg19) VCF-style: chr15-43019872-G-T.
Other names: c.3043C>A, p.Arg1015Ser (LRG_1164t1); short protein forms R1015S.
Identifiers: ClinVar variation 546235 (VCV000546235.2), dbSNP rs764025922, ClinGen allele CA392032132.
Genomic context (GRCh38, chr15:42,727,674, plus strand): 5'-CGTGTACTTTTATCTCGGAGATGAGGTGGGAGGGGAGGGGAGCATGGTGCTCACAGGCGC[G>T]GGAGCAGCCCCTCCGCTCCCCCCGGGCAGCAGGTTCAGGACCCTGGGCTCGAAGTGTGCG-3'
Protein context (NP_612486.2, residues 1005-1025): AARGERRGCS[Arg1015Ser]ACEHHAPLPS

ClinVar aggregate classification (germline): Uncertain significance (1 of 4 stars; one submission).

Submission:

GeneDx
Classification: Uncertain significance. Last evaluated: 2018-05-18. Review status: criteria provided, single submitter. Criteria: GeneDx Variant Classification (06012015). Collection method: clinical testing. Allele origin: germline. Affected: yes.
Comment: The R1015S variant in the CDAN1 gene has not been reported previously as a pathogenic variant, nor as a benign variant, to our knowledge. The R1015S variant is not observed in large population cohorts (Lek et al., 2016). The R1015S variant is a semi-conservative amino acid substitution, which may impact secondary protein structure as these residues differ in some properties. However, in-silico analyses, including protein predictors and evolutionary conservation, support that this variant does not alter protein structure/function. We interpret R1015S as a variant of uncertain significance.